The following is an entry in ClinVar:

NM_018240.7(KIRREL1):c.2106C>T (p.Pro702=)

Gene: KIRREL1 (kirre like nephrin family adhesion molecule 1; plus strand). Cytogenetic location: 1q23.1.
Variant type: single nucleotide variant.
Coding change: c.2106C>T on transcript NM_018240.7 (MANE Select); coding-DNA position 2106, C replaced by T.
Protein change: p.Pro702=; no amino-acid change (proline 702 retained).
Molecular consequence: synonymous variant.
Genome position (GRCh38, 1-based): chr1:158,094,952, C>T. VCF-style: chr1-158094952-C-T. GRCh37 (hg19) VCF-style: chr1-158064742-C-T.
Other names: c.1806C>T, p.Pro602= (NM_001286349.2).
Identifiers: ClinVar variation 3777924 (VCV003777924.7).
Genomic context (GRCh38, chr1:158,094,952, plus strand): 5'-GTCCTACGAGAACTATGAGAAGTTCAACTCCCATCCCTTCCCTGGGGCAGCTGGGTACCC[C>T]ACCTACCGACTGGGCTACCCCCAGGCCCCACCCTCTGGCCTGGAGCGGACCCCATATGAG-3'
Protein context (NP_060710.3, residues 692-712): SHPFPGAAGY[Pro702=]TYRLGYPQAP

ClinVar aggregate classification (germline): Likely benign (1 of 4 stars; one submission).

gnomAD v4.1: 1 of 1,614,074 alleles (0.000062%); highest among the groups gnomAD compares: South Asian, 0.0011%; no homozygotes.

Submission:

CeGaT Center for Human Genetics Tuebingen
Classification: Likely benign. Last evaluated: 2025-03-01. Review status: criteria provided, single submitter. Criteria: CeGaT Center For Human Genetics Tuebingen Variant Classification Criteria Version 2. Collection method: clinical testing. Allele origin: germline. Affected: yes. Observed: 1 variant allele.
Comment: KIRREL1: BP4, BP7